The following is an entry in ClinVar:

ClinVar aggregate classification (germline): Uncertain significance. Review status: criteria provided, multiple submitters, no conflicts (2 of 4 stars). 2 submissions from 2 submitters: Uncertain significance (2). Last evaluated 2024-07-10.

Conditions:
Inborn genetic diseases. Identifiers: MedGen C0950123, MeSH D030342.
Charcot-Marie-Tooth disease recessive intermediate C. Also called: CHARCOT-MARIE-TOOTH NEUROPATHY, RECESSIVE INTERMEDIATE C. Identifiers: Orphanet 369867, MedGen C3809309, MONDO:0014154, OMIM 615376.
Neuronopathy, distal hereditary motor, autosomal recessive 4. Also called: Autosomal recessive lower motor neuron disease with childhood onset; NEUROPATHY, DISTAL HEREDITARY MOTOR, AUTOSOMAL RECESSIVE 4. Identifiers: Orphanet 206580, MedGen C1970211, MONDO:0012608, OMIM 611067.

gnomAD v4.1: 1 of 1,605,634 alleles (0.000062%); highest among the groups gnomAD compares: Admixed American, 0.0017%; no homozygotes.

Submissions (2):

Ambry Genetics
Classification: Uncertain significance for Inborn genetic diseases. Last evaluated: 2024-07-10. Review status: criteria provided, single submitter. Criteria: Ambry Variant Classification Scheme 2023. Collection method: clinical testing. Allele origin: germline.

Labcorp Genetics (formerly Invitae), Labcorp
Classification: Uncertain significance for Neuronopathy, distal hereditary motor, autosomal recessive 4; Charcot-Marie-Tooth disease recessive intermediate C. Last evaluated: 2021-08-30. Review status: criteria provided, single submitter. Criteria: Invitae Variant Classification Sherloc (09022015). Collection method: clinical testing. Allele origin: germline.
Comment: This sequence change replaces methionine with threonine at codon 449 of the PLEKHG5 protein (p.Met449Thr). The methionine residue is moderately conserved and there is a moderate physicochemical difference between methionine and threonine. This variant is not present in population databases (ExAC no frequency). This variant has not been reported in the literature in individuals affected with PLEKHG5-related conditions. Algorithms developed to predict the effect of missense changes on protein structure and function (SIFT, PolyPhen-2, Align-GVGD) all suggest that this variant is likely to be tolerated. In summary, the available evidence is currently insufficient to determine the role of this variant in disease. Therefore, it has been classified as a Variant of Uncertain Significance.

NM_020631.6(PLEKHG5):c.1346T>C (p.Met449Thr)

Gene: PLEKHG5 (pleckstrin homology and RhoGEF domain containing G5; minus strand). Cytogenetic location: 1p36.31.
Variant type: single nucleotide variant.
Coding change: c.1346T>C on transcript NM_020631.6 (MANE Select); coding-DNA position 1346, T replaced by C.
Protein change: p.Met449Thr; replaces methionine 449 with threonine.
Molecular consequence: missense variant.
Genome position (GRCh38, 1-based): chr1:6,471,036, A>G on the plus strand (T>C on the coding strand, the complement: PLEKHG5 is on the minus strand). VCF-style: chr1-6471036-A-G. GRCh37 (hg19) VCF-style: chr1-6531096-A-G.
Other names: c.1457T>C, p.Met486Thr (NM_001042663.3, NM_001265592.2); c.1346T>C, p.Met449Thr (NM_001042664.2, NM_001042665.2, NM_001265594.3 and 1 more transcripts); c.1553T>C, p.Met518Thr (NM_001265593.2); short protein forms M449T, M518T, M486T.
Identifiers: ClinVar variation 536780 (VCV000536780.7), dbSNP rs1553174146, ClinGen allele CA338127743.